The following is an entry in ClinVar:

NM_153704.6(TMEM67):c.2322+1G>A

Gene: TMEM67 (transmembrane protein 67; plus strand). Cytogenetic location: 8q22.1.
Variant type: single nucleotide variant.
Coding change: c.2322+1G>A on transcript NM_153704.6 (MANE Select); the canonical splice donor site of the intron after coding-DNA position 2322, G replaced by A.
Molecular consequence: splice donor variant.
Genome position (GRCh38, 1-based): chr8:93,803,685, G>A. VCF-style: chr8-93803685-G-A. GRCh37 (hg19) VCF-style: chr8-94815913-G-A.
Other names: c.2322+1G>A (NM_153704.5); c.2079+1G>A (NM_001142301.1).
Identifiers: ClinVar variation 2434174 (VCV002434174.4), dbSNP rs139721499, ClinGen allele CA181343446.

ClinVar aggregate classification (germline): Likely pathogenic. Review status: criteria provided, multiple submitters, no conflicts (2 of 4 stars). 2 submissions from 2 submitters: Likely pathogenic (2). Last evaluated 2026-06-24.

Conditions:
TMEM67-related disorder. Also called: TMEM67-related condition; TMEM67-related disorders. Identifiers: MedGen CN239423.

Allele frequency attached by ClinVar (database versions not stated): TOPMed 0.00001; ESP Exome Variant Server 0.00008.

Submissions (2):

PreventionGenetics, part of Exact Sciences
Classification: Likely pathogenic for TMEM67-related condition. Last evaluated: 2026-06-24. Review status: criteria provided, single submitter. Criteria: ACMG Guidelines, 2015. Collection method: clinical testing. Allele origin: germline.
Comment: The TMEM67 c.2322+1G>A variant is predicted to disrupt the GT donor site and interfere with normal splicing. To our knowledge, this variant has not been reported in the literature, or in a large population database (gnomAD), indicating this variant is rare. An alternate nucleotide change that impacts the same splice site (c.2322+2dupT) has been reported along with a second TMEM67 variant in individuals with Meckel syndrome, Joubert syndrome, or with clinical features of chronic kidney disease (Iannicelli et al. 2010. PubMed ID: 20232449; Table S5, Bachmann-Gagescu et al. 2015. PubMed ID: 26092869; Table S2, Summers et al. 2017. PubMed ID: 28497568). Variants that disrupt the consensus splice donor site in TMEM67 are expected to be pathogenic. The c.2322+1G>A variant is interpreted as likely pathogenic.

Revvity Omics, Revvity
Classification: Likely pathogenic. Last evaluated: 2021-12-22. Review status: criteria provided, single submitter. Criteria: ACMG Guidelines, 2015. Collection method: clinical testing. Allele origin: germline.